The following is an entry in ClinVar:

NM_014908.4(DOLK):c.910T>C (p.Trp304Arg)

Gene: DOLK (dolichol kinase; minus strand). Cytogenetic location: 9q34.11.
Variant type: single nucleotide variant.
Coding change: c.910T>C on transcript NM_014908.4 (MANE Select); coding-DNA position 910, T replaced by C.
Protein change: p.Trp304Arg; replaces tryptophan 304 with arginine.
Molecular consequence: missense variant.
Genome position (GRCh38, 1-based): chr9:128,946,394, A>G on the plus strand (T>C on the coding strand, the complement: DOLK is on the minus strand). VCF-style: chr9-128946394-A-G. GRCh37 (hg19) VCF-style: chr9-131708673-A-G.
Other names: short protein forms W304R.
Identifiers: ClinVar variation 1502864 (VCV001502864.5), dbSNP rs1413752276, ClinGen allele CA375121738.

ClinVar aggregate classification (germline): Uncertain significance (1 of 4 stars; one submission).

Conditions:
DK1-congenital disorder of glycosylation. Also called: DK1-CDG; DOLK-congenital disorder of glycosylation; Carbohydrate deficient glycoprotein syndrome type 1m; DK1 DEFICIENCY; DOLICHOL KINASE DEFICIENCY; CONGENITAL DISORDER OF GLYCOSYLATION, TYPE Im. Identifiers: Orphanet 91131, MedGen C1835849, MONDO:0012556, OMIM 610768.

Allele frequency attached by ClinVar (database versions not stated): gnomAD 0.00001; TOPMed 0.00001.
gnomAD v4.1: 2 of 1,613,904 alleles (0.00012%); highest among the groups gnomAD compares: African/African-American, 0.0027%; no homozygotes.

Submission:

Labcorp Genetics (formerly Invitae), Labcorp
Classification: Uncertain significance for DK1-congenital disorder of glycosylation. Last evaluated: 2022-07-12. Review status: criteria provided, single submitter. Criteria: Invitae Variant Classification Sherloc (09022015). Collection method: clinical testing. Allele origin: germline.
Comment: This variant is present in population databases (no rsID available, gnomAD 0.01%). This variant has not been reported in the literature in individuals affected with DOLK-related conditions. ClinVar contains an entry for this variant (Variation ID: 1502864). Algorithms developed to predict the effect of missense changes on protein structure and function (SIFT, PolyPhen-2, Align-GVGD) all suggest that this variant is likely to be disruptive. In summary, the available evidence is currently insufficient to determine the role of this variant in disease. Therefore, it has been classified as a Variant of Uncertain Significance. This sequence change replaces tryptophan, which is neutral and slightly polar, with arginine, which is basic and polar, at codon 304 of the DOLK protein (p.Trp304Arg).